The following is an entry in ClinVar:

ClinVar aggregate classification (germline): Pathogenic. Review status: criteria provided, multiple submitters, no conflicts (2 of 4 stars). 3 submissions from 3 submitters: Pathogenic (3). Last evaluated 2026-08-25.

Conditions:
Mitochondrial DNA depletion syndrome 13. Also called: Mitochondrial DNA depletion syndrome 13 (encephalomyopathic type); FBXL4-Related Encephalomyopathic Mitochondrial DNA Depletion Syndrome. Identifiers: Orphanet 369897, MedGen C3809592, MONDO:0014198, OMIM 615471.

Allele frequency attached by ClinVar (database versions not stated): gnomAD exomes 0.00001 and below 0.00001.
gnomAD v4.1: 14 of 1,610,406 alleles (0.00087%); highest among the groups gnomAD compares: Non-Finnish European, 0.001%; no homozygotes.

Submissions (3):

GeneDx
Classification: Pathogenic. Last evaluated: 2026-08-25. Review status: criteria provided, single submitter. Criteria: GeneDx Variant Classification Process June 2021. Collection method: clinical testing. Allele origin: germline.
Comment: Nonsense variant predicted to result in protein truncation or nonsense mediated decay in a gene for which loss of function is a known mechanism of disease; Not observed at significant frequency in large population cohorts (gnomAD); Has not been previously published as pathogenic or benign to our knowledge

Labcorp Genetics (formerly Invitae), Labcorp
Classification: Pathogenic. Last evaluated: 2023-06-21. Review status: criteria provided, single submitter. Criteria: Invitae Variant Classification Sherloc (09022015). Collection method: clinical testing. Allele origin: germline.
Comment: This premature translational stop signal has been observed in individual(s) with mitochondrial DNA depletion syndrome type 13 (PMID: 34602956). This sequence change creates a premature translational stop signal (p.Tyr162*) in the FBXL4 gene. It is expected to result in an absent or disrupted protein product. Loss-of-function variants in FBXL4 are known to be pathogenic (PMID: 23993193, 23993194, 25868664). This variant is not present in population databases (gnomAD no frequency). ClinVar contains an entry for this variant (Variation ID: 1186102). For these reasons, this variant has been classified as Pathogenic.

Victorian Clinical Genetics Services, Murdoch Childrens Research Institute
Classification: Pathogenic for Mitochondrial DNA depletion syndrome 13. Last evaluated: 2021-05-06. Review status: criteria provided, single submitter. Criteria: ACMG Guidelines, 2015. Collection method: clinical testing. Allele origin: germline. Inheritance: Autosomal recessive inheritance.
Comment: Based on the classification scheme VCGS_Germline_v1.3.4, this variant is classified as Pathogenic. Following criteria are met: 0102 - Loss of function is a known mechanism of disease in this gene and is associated with mitochondrial DNA depletion syndrome 13 (encephalomyopathic type) (MIM#615471). (I) 0106 - This gene is associated with autosomal recessive disease. (I) 0115 - Variants in this gene are known to have variable expressivity. Affected individuals carrying the same variant have been reported to display clinical variability (PMID: 30804983). (I) 0201 - Variant is predicted to cause nonsense-mediated decay (NMD) and loss of protein (premature termination codon is located at least 54 nucleotides upstream of the final exon-exon junction). (SP) 0251 - This variant is heterozygous. (I) 0304 - Variant is present in gnomAD <0.01 for a recessive condition (v2: 1 heterozygote, 0 homozygotes). (SP) 0701 - Other NMD-predicted variants comparable to the one identified in this case have very strong previous evidence for pathogenicity. There are at least nine NMD-predicted variants along FBXL4 (DECIPHER; PMIDs: 28940506, 30804983). (SP) 0807 - This variant has no previous evidence of pathogenicity. (I) 0905 - No published segregation evidence has been identified for this variant. (I) 1007 - No published functional evidence has been identified for this variant. (I) Legend: (SP) - Supporting pathogenic, (I) - Information, (SB) - Supporting benign

Literature cited by the submitters: PubMed 34602956 (cited by Labcorp Genetics (formerly Invitae), Labcorp); PubMed 23993193 (cited by Labcorp Genetics (formerly Invitae), Labcorp); PubMed 23993194 (cited by Labcorp Genetics (formerly Invitae), Labcorp); PubMed 25868664 (cited by Labcorp Genetics (formerly Invitae), Labcorp); PubMed 28940506 (cited by Victorian Clinical Genetics Services, Murdoch Childrens Research Institute); PubMed 30804983 (cited by Victorian Clinical Genetics Services, Murdoch Childrens Research Institute).

NM_001278716.2(FBXL4):c.486T>A (p.Tyr162Ter)

Gene: FBXL4 (F-box and leucine rich repeat protein 4; minus strand). Cytogenetic location: 6q16.2.
Variant type: single nucleotide variant.
Coding change: c.486T>A on transcript NM_001278716.2 (MANE Select); coding-DNA position 486, T replaced by A.
Protein change: p.Tyr162Ter; replaces tyrosine 162 with a stop codon.
Molecular consequence: nonsense. On other transcripts: non-coding transcript variant (2).
Genome position (GRCh38, 1-based): chr6:98,926,503, A>T on the plus strand (T>A on the coding strand, the complement: FBXL4 is on the minus strand). VCF-style: chr6-98926503-A-T. GRCh37 (hg19) VCF-style: chr6-99374379-A-T.
Other names: c.486T>A, p.Tyr162Ter (NM_012160.5); short protein forms Y162*.
Identifiers: ClinVar variation 1186102 (VCV001186102.7), dbSNP rs1562245046, ClinGen allele CA365088378.